The following is an entry in ClinVar:

ClinVar aggregate classification (germline): Uncertain significance (1 of 4 stars; one submission).

Conditions:
Hereditary cancer-predisposing syndrome. Also called: Neoplastic Syndromes, Hereditary; Tumor predisposition; Hereditary Cancer Syndrome; Hereditary neoplastic syndrome. Identifiers: Orphanet 140162, MedGen C0027672, MeSH D009386, MONDO:0015356.

Submission:

Ambry Genetics
Classification: Uncertain significance for Hereditary cancer-predisposing syndrome. Last evaluated: 2023-01-14. Review status: criteria provided, single submitter. Criteria: Ambry Variant Classification Scheme 2023. Collection method: clinical testing. Allele origin: germline.
Comment: The p.N975D variant (also known as c.2923A>G), located in coding exon 19 of the ATM gene, results from an A to G substitution at nucleotide position 2923. The asparagine at codon 975 is replaced by aspartic acid, an amino acid with highly similar properties. This amino acid position is poorly conserved in available vertebrate species. In addition, this alteration is predicted to be tolerated by in silico analysis. Since supporting evidence is limited at this time, the clinical significance of this alteration remains unclear.

NM_000051.4(ATM):c.2923A>G (p.Asn975Asp)

Gene: ATM (ATM serine/threonine kinase; plus strand). Cytogenetic location: 11q22.3.
Variant type: single nucleotide variant.
Coding change: c.2923A>G on transcript NM_000051.4 (MANE Select); coding-DNA position 2923, A replaced by G.
Protein change: p.Asn975Asp; replaces asparagine 975 with aspartic acid.
Molecular consequence: missense variant.
Genome position (GRCh38, 1-based): chr11:108,271,252, A>G. VCF-style: chr11-108271252-A-G. GRCh37 (hg19) VCF-style: chr11-108141979-A-G.
Other names: c.2923A>G, p.Asn975Asp (NM_001351834.2); short protein forms N975D.
Identifiers: ClinVar variation 1797732 (VCV001797732.3), dbSNP rs2497685033, ClinGen allele CA382547070.